The following is an entry in ClinVar:

NC_000023.10:g.(?_32536115)_(32614003_?)del

Gene: DMD (dystrophin; minus strand). Cytogenetic location: Xp21.1.
Variant type: Deletion.
Identifiers: ClinVar variation 1071521 (VCV001071521.1).

ClinVar aggregate classification (germline): Pathogenic (1 of 4 stars; one submission).

Conditions:
Duchenne muscular dystrophy (DMD). Also called: MUSCULAR DYSTROPHY, PSEUDOHYPERTROPHIC PROGRESSIVE, DUCHENNE TYPE; Duchenne Muscular Dystrophy (DMD). Identifiers: Orphanet 98896, MedGen C0013264, MONDO:0010679, OMIM 310200.

Submission:

Labcorp Genetics (formerly Invitae), Labcorp
Classification: Pathogenic for Duchenne muscular dystrophy. Last evaluated: 2020-09-25. Review status: criteria provided, single submitter. Criteria: Invitae Variant Classification Sherloc (09022015). Collection method: clinical testing. Allele origin: germline.
Comment: This variant is an in-frame deletion of the genomic region encompassing exon(s) 13-18 of the DMD gene. It preserves the integrity of the reading frame. A similar copy number variant has been observed in individual(s) with Becker muscular dystrophy (PMID: 8628480). The region of the DMD gene that includes exon(s) 13 has been determined to be clinically significant (PMID: 18353051, 22379338, 28116794, 28610567). Therefore, deletions that encompass that region are likely to disrupt protein function and cause disease. For these reasons, this variant has been classified as Pathogenic.

Literature cited by the submitters: PubMed 8628480; PubMed 18353051; PubMed 22379338; PubMed 28116794; PubMed 28610567.